The following is an entry in ClinVar:

ClinVar aggregate classification (germline): Uncertain significance (1 of 4 stars; one submission).

gnomAD v4.1: 10 of 1,612,482 alleles (0.00062%); highest among the groups gnomAD compares: South Asian, 0.011%; no homozygotes.

Submission:

GeneDx
Classification: Uncertain significance. Last evaluated: 2026-04-02. Review status: criteria provided, single submitter. Criteria: GeneDx Variant Classification Process June 2021. Collection method: clinical testing. Allele origin: germline.
Comment: Not observed at significant frequency in large population cohorts (gnomAD); In silico analysis supports that this missense variant has a deleterious effect on protein structure/function; Has not been previously published as pathogenic or benign to our knowledge

NM_001128228.3(TPRN):c.1460C>T (p.Pro487Leu)

Gene: TPRN (taperin; minus strand). Cytogenetic location: 9q34.3.
Variant type: single nucleotide variant.
Coding change: c.1460C>T on transcript NM_001128228.3 (MANE Select); coding-DNA position 1460, C replaced by T.
Protein change: p.Pro487Leu; replaces proline 487 with leucine.
Molecular consequence: missense variant.
Genome position (GRCh38, 1-based): chr9:137,199,252, G>A on the plus strand (C>T on the coding strand, the complement: TPRN is on the minus strand). VCF-style: chr9-137199252-G-A. GRCh37 (hg19) VCF-style: chr9-140093704-G-A.
Other names: short protein forms P487L.
Identifiers: ClinVar variation 5017842 (VCV005017842.1).